The following is an entry in ClinVar:

NM_025150.5(TARS2):c.1636G>A (p.Asp546Asn)

Gene: TARS2 (threonyl-tRNA synthetase 2, mitochondrial; plus strand). Cytogenetic location: 1q21.2.
Variant type: single nucleotide variant.
Coding change: c.1636G>A on transcript NM_025150.5 (MANE Select); coding-DNA position 1636, G replaced by A.
Protein change: p.Asp546Asn; replaces aspartic acid 546 with asparagine.
Molecular consequence: missense variant. On other transcripts: non-coding transcript variant (2).
Genome position (GRCh38, 1-based): chr1:150,504,353, G>A. VCF-style: chr1-150504353-G-A. GRCh37 (hg19) VCF-style: chr1-150476829-G-A.
Other names: c.1390G>A, p.Asp464Asn (NM_001271895.2); c.1246G>A, p.Asp416Asn (NM_001271896.2); short protein forms D464N, D546N, D416N.
Identifiers: ClinVar variation 1367437 (VCV001367437.8), dbSNP rs996789463, ClinGen allele CA30071321.
Genomic context (GRCh38, chr1:150,504,353, plus strand): 5'-TGCTTCTGGCTTATCTCGTGCCTTCCCATCTGTTTCCTGTAGATTGACGTGCACCTCCAC[G>A]ATGCCCTGGGCCGGCCACATCAGTGTGGGACAATTCAGCTTGACTTCCAACTGCCCCTGA-3'
Protein context (NP_079426.2, residues 536-556): YGPKIDVHLH[Asp546Asn]ALGRPHQCGT

ClinVar aggregate classification (germline): Uncertain significance (1 of 4 stars; one submission).

Allele frequency attached by ClinVar (database versions not stated): gnomAD 0.00001 and 0.00002; TOPMed 0.00002.
gnomAD v4.1: 7 of 1,613,938 alleles (0.00043%); highest among the groups gnomAD compares: African/African-American, 0.004%; no homozygotes.

Submission:

Labcorp Genetics (formerly Invitae), Labcorp
Classification: Uncertain significance. Last evaluated: 2021-04-23. Review status: criteria provided, single submitter. Criteria: Invitae Variant Classification Sherloc (09022015). Collection method: clinical testing. Allele origin: germline.
Comment: Algorithms developed to predict the effect of missense changes on protein structure and function are either unavailable or do not agree on the potential impact of this missense change (SIFT: "Deleterious"; PolyPhen-2: "Probably Damaging"; Align-GVGD: "Class C0"). This variant has not been reported in the literature in individuals with TARS2-related conditions. This variant is not present in population databases (ExAC no frequency). This sequence change replaces aspartic acid with asparagine at codon 546 of the TARS2 protein (p.Asp546Asn). The aspartic acid residue is highly conserved and there is a small physicochemical difference between aspartic acid and asparagine. In summary, the available evidence is currently insufficient to determine the role of this variant in disease. Therefore, it has been classified as a Variant of Uncertain Significance.